The following is an entry in ClinVar:

NM_006648.4(WNK2):c.3983A>C (p.Glu1328Ala)

Gene: WNK2 (WNK lysine deficient protein kinase 2; plus strand). Cytogenetic location: 9q22.31.
Variant type: single nucleotide variant.
Coding change: c.3983A>C on transcript NM_006648.4 (MANE Select); coding-DNA position 3983, A replaced by C.
Protein change: p.Glu1328Ala; replaces glutamic acid 1328 with alanine.
Molecular consequence: missense variant.
Genome position (GRCh38, 1-based): chr9:93,268,696, A>C. VCF-style: chr9-93268696-A-C. GRCh37 (hg19) VCF-style: chr9-96030978-A-C.
Other names: c.3983A>C, p.Glu1328Ala (NM_001282394.3); short protein forms E1328A.
Identifiers: ClinVar variation 2511330 (VCV002511330.3), dbSNP rs549169030, ClinGen allele CA5130164.
Genomic context (GRCh38, chr9:93,268,696, plus strand): 5'-CCGGGAAGAGGTGGTTCATCATCTGTCCGGTGGCTGAGCACCCCGCCCCCGAGGCCCCTG[A>C]ATCTTCGCCCCCACTTCCTCTAAGCTCCCTGCCGCCAGAAGCCAGCCAAGGTATGAGCAG-3'
Protein context (NP_006639.3, residues 1318-1338): VAEHPAPEAP[Glu1328Ala]SSPPLPLSSL

ClinVar aggregate classification (germline): Uncertain significance (1 of 4 stars; one submission).

Allele frequency attached by ClinVar (database versions not stated): TOPMed 0.00001; gnomAD 0.00002; ExAC 0.00004; gnomAD exomes 0.00005; 1000 Genomes Project 30x 0.00016; 1000 Genomes Project 0.00020.
gnomAD v4.1: 88 of 1,613,352 alleles (0.0055%); highest among the groups gnomAD compares: Non-Finnish European, 0.0067%; no homozygotes.

Submission:

Ambry Genetics
Classification: Uncertain significance. Last evaluated: 2024-11-22. Review status: criteria provided, single submitter. Criteria: Ambry Variant Classification Scheme 2023. Collection method: clinical testing. Allele origin: germline.
Comment: The p.E1328A variant (also known as c.3983A>C), located in coding exon 18 of the WNK2 gene, results from an A to C substitution at nucleotide position 3983. The glutamic acid at codon 1328 is replaced by alanine, an amino acid with dissimilar properties. This amino acid position is conserved. In addition, this alteration is predicted to be tolerated by in silico analysis. Based on the available evidence, the clinical significance of this variant remains unclear.